The following is an entry in ClinVar:

NM_001042517.2(DIAPH3):c.494del (p.Thr165fs)

Gene: DIAPH3 (diaphanous related formin 3; minus strand). Cytogenetic location: 13q21.2.
Variant type: Deletion.
Coding change: c.494del on transcript NM_001042517.2 (MANE Select); coding-DNA position 494, one base deleted (C; older notation c.494delC).
Protein change: p.Thr165fs; shifts the reading frame from threonine 165.
Molecular consequence: frameshift variant. On other transcripts: intron variant (1).
Genome position (GRCh38, 1-based): chr13:60,093,629, G deleted on the plus strand (C on the coding strand, the reverse complement: DIAPH3 is on the minus strand). VCF-style (leftmost placement, unchanged base first): chr13-60093628-TG-T. GRCh37 (hg19) VCF-style: chr13-60667762-TG-T.
Other names: c.461del, p.Thr154fs (NM_001258366.2); c.284del, p.Thr95fs (NM_001258368.2); c.494del, p.Thr165fs (NM_001258369.2); c.357+18381del (NM_001258367.2); short protein forms T154fs, T165fs, T95fs.
Identifiers: ClinVar variation 2103676 (VCV002103676.4), dbSNP rs2500968736, ClinGen allele CA2575424672.

ClinVar aggregate classification (germline): Uncertain significance (1 of 4 stars; one submission).

Submission:

Labcorp Genetics (formerly Invitae), Labcorp
Classification: Uncertain significance. Last evaluated: 2022-02-25. Review status: criteria provided, single submitter. Criteria: Invitae Variant Classification Sherloc (09022015). Collection method: clinical testing. Allele origin: germline.
Comment: In summary, the available evidence is currently insufficient to determine the role of this variant in disease. Therefore, it has been classified as a Variant of Uncertain Significance. This variant has not been reported in the literature in individuals affected with DIAPH3-related conditions. This variant is not present in population databases (gnomAD no frequency). This sequence change creates a premature translational stop signal (p.Thr165Lysfs*19) in the DIAPH3 gene. It is expected to result in an absent or disrupted protein product. However, the current clinical and genetic evidence is not sufficient to establish whether loss-of-function variants in DIAPH3 cause disease.